The following is an entry in ClinVar:

NM_002691.4(POLD1):c.1422C>T (p.Leu474=)

Gene: POLD1 (DNA polymerase delta 1, catalytic subunit; plus strand). Cytogenetic location: 19q13.33.
Variant type: single nucleotide variant.
Coding change: c.1422C>T on transcript NM_002691.4 (MANE Select); coding-DNA position 1422, C replaced by T.
Protein change: p.Leu474=; no amino-acid change (leucine 474 retained).
Molecular consequence: synonymous variant. On other transcripts: non-coding transcript variant (1).
Genome position (GRCh38, 1-based): chr19:50,406,445, C>T. VCF-style: chr19-50406445-C-T. GRCh37 (hg19) VCF-style: chr19-50909702-C-T.
Other names: c.1422C>T, p.Leu474= (NM_001256849.1, NM_001308632.1).
Identifiers: ClinVar variation 469199 (VCV000469199.20), dbSNP rs369332787, ClinGen allele CA9596138.

ClinVar aggregate classification (germline): Conflicting classifications of pathogenicity. Review status: criteria provided, conflicting classifications (1 of 4 stars). 4 submissions from 4 submitters: Uncertain significance (1); Benign (1); Likely benign (2). Last evaluated 2025-08-21.

Conditions:
Hereditary cancer-predisposing syndrome. Also called: Neoplastic Syndromes, Hereditary; Hereditary neoplastic syndrome; Tumor predisposition; Hereditary Cancer Syndrome. Identifiers: Orphanet 140162, MedGen C0027672, MeSH D009386, MONDO:0015356.
POLD1-related polyposis and colorectal cancer syndrome (CRCS10). Also called: Colorectal cancer 10; COLORECTAL CANCER, SUSCEPTIBILITY TO, ON CHROMOSOME 19q; Colorectal cancer, susceptibility to, 10. Identifiers: Orphanet 220460, MedGen C2675481, MONDO:0012953, OMIM 612591.

Allele frequency attached by ClinVar (database versions not stated): gnomAD exomes below 0.00001; TOPMed below 0.00001; ExAC 0.00002; ESP Exome Variant Server 0.00008.
gnomAD v4.1: 3 of 1,599,900 alleles (0.00019%); highest among the groups gnomAD compares: East Asian, 0.0023%; no homozygotes.

Submissions (4):

Labcorp Genetics (formerly Invitae), Labcorp
Classification: Likely benign for POLD1-related polyposis and colorectal cancer syndrome. Last evaluated: 2025-08-21. Review status: criteria provided, single submitter. Criteria: Invitae Variant Classification Sherloc (09022015). Collection method: clinical testing. Allele origin: germline.

GeneDx
Classification: Uncertain significance. Last evaluated: 2025-03-26. Review status: criteria provided, single submitter. Criteria: GeneDx Variant Classification Process June 2021. Collection method: clinical testing. Allele origin: germline. Affected: yes.
Comment: Not observed at significant frequency in large population cohorts (gnomAD); Has not been previously published as pathogenic or benign to our knowledge; In silico analysis indicates that this variant does not alter splicing; This variant is associated with the following publications: (PMID: 27535533)

Myriad Genetics, Inc.
Classification: Benign for POLD1-related polyposis and colorectal cancer syndrome. Last evaluated: 2025-02-06. Review status: criteria provided, single submitter. Criteria: Myriad Autosomal Dominant, Autosomal Recessive and X-Linked Classification Criteria (2023). Collection method: clinical testing. Allele origin: unknown.
Comment: This variant is considered benign. This variant is a silent/synonymous amino acid change and it is not expected to impact splicing.

Ambry Genetics
Classification: Likely benign for Hereditary cancer-predisposing syndrome. Last evaluated: 2017-09-29. Review status: criteria provided, single submitter. Criteria: Ambry Variant Classification Scheme 2023. Collection method: clinical testing. Allele origin: germline.